The following is an entry in ClinVar:

ClinVar aggregate classification (germline): Uncertain significance (1 of 4 stars; one submission).

Submission:

GeneDx
Classification: Uncertain significance. Last evaluated: 2024-12-11. Review status: criteria provided, single submitter. Criteria: GeneDx Variant Classification Process June 2021. Collection method: clinical testing. Allele origin: germline. Affected: yes.
Comment: In silico analysis supports that this missense variant has a deleterious effect on protein structure/function; Has not been previously published as pathogenic or benign to our knowledge

NM_001372044.2(SHANK3):c.3500C>T (p.Thr1167Ile)

Gene: SHANK3 (SH3 and multiple ankyrin repeat domains 3; plus strand). Cytogenetic location: 22q13.33.
Variant type: single nucleotide variant.
Coding change: c.3500C>T on transcript NM_001372044.2 (MANE Select); coding-DNA position 3500, C replaced by T.
Protein change: p.Thr1167Ile; replaces threonine 1167 with isoleucine.
Molecular consequence: missense variant.
Genome position (GRCh38, 1-based): chr22:50,721,108, C>T. VCF-style: chr22-50721108-C-T. GRCh37 (hg19) VCF-style: chr22-51159536-C-T.
Other names: c.3275C>T (NM_033517.1); short protein forms T1167I.
Identifiers: ClinVar variation 3903336 (VCV003903336.1).